The following is an entry in ClinVar:

NM_006466.4(POLR3F):c.580A>G (p.Thr194Ala)

Gene: POLR3F (RNA polymerase III subunit F; plus strand). Cytogenetic location: 20p11.23.
Variant type: single nucleotide variant.
Coding change: c.580A>G on transcript NM_006466.4 (MANE Select); coding-DNA position 580, A replaced by G.
Protein change: p.Thr194Ala; replaces threonine 194 with alanine.
Molecular consequence: missense variant. On other transcripts: non-coding transcript variant (1).
Genome position (GRCh38, 1-based): chr20:18,480,408, A>G. VCF-style: chr20-18480408-A-G. GRCh37 (hg19) VCF-style: chr20-18461052-A-G.
Other names: c.457A>G, p.Thr153Ala (NM_001282526.2); c.436A>G, p.Thr146Ala (NM_001410821.1); c.580A>G (NM_006466.2); short protein forms T194A, T146A, T153A.
Identifiers: ClinVar variation 2049036 (VCV002049036.5), dbSNP rs371656520, ClinGen allele CA9777558.
Genomic context (GRCh38, chr20:18,480,408, plus strand): 5'-TCAGAAAACACACCAATATTCTTATTTACATTTCTTATGTTTCAATCCTTATAGGCAGAA[A>G]CAGCACGAGAAAGCAAACAGAACCCAATGATACAAAGAAATAGTTCATTTGCCTCATCAC-3'
Protein context (NP_006457.2, residues 184-204): CFKFLQSKAE[Thr194Ala]ARESKQNPMI

ClinVar aggregate classification (germline): Uncertain significance. Review status: criteria provided, multiple submitters, no conflicts (2 of 4 stars). 2 submissions from 2 submitters: Uncertain significance (2). Last evaluated 2025-09-21.

Allele frequency attached by ClinVar (database versions not stated): TOPMed 0.00003; ExAC 0.00007; gnomAD 0.00007; gnomAD exomes 0.00011; ESP Exome Variant Server 0.00015.
gnomAD v4.1: 174 of 1,604,612 alleles (0.011%); highest among the groups gnomAD compares: Non-Finnish European, 0.014%; no homozygotes.

Submissions (2):

Labcorp Genetics (formerly Invitae), Labcorp
Classification: Uncertain significance. Last evaluated: 2025-09-21. Review status: criteria provided, single submitter. Criteria: Invitae Variant Classification Sherloc (09022015). Collection method: clinical testing. Allele origin: germline.
Comment: This sequence change replaces threonine, which is neutral and polar, with alanine, which is neutral and non-polar, at codon 153 of the POLR3F protein (p.Thr153Ala). This variant is present in population databases (rs371656520, gnomAD 0.01%). This variant has not been reported in the literature in individuals affected with POLR3F-related conditions. ClinVar contains an entry for this variant (Variation ID: 2049036). An algorithm developed to predict the effect of missense changes on protein structure and function outputs the following: PolyPhen-2: "Not Available". The alanine amino acid residue is found in multiple mammalian species, which suggests that this missense change does not adversely affect protein function. In summary, the available evidence is currently insufficient to determine the role of this variant in disease. Therefore, it has been classified as a Variant of Uncertain Significance.

Ambry Genetics
Classification: Uncertain significance. Last evaluated: 2024-11-25. Review status: criteria provided, single submitter. Criteria: Ambry Variant Classification Scheme 2023. Collection method: clinical testing. Allele origin: germline.